The following is an entry in ClinVar:

NM_002047.4(GARS1):c.1062T>C (p.Phe354=)

Gene: GARS1 (glycyl-tRNA synthetase 1; plus strand). Cytogenetic location: 7p14.3.
Variant type: single nucleotide variant.
Coding change: c.1062T>C on transcript NM_002047.4 (MANE Select); coding-DNA position 1062, T replaced by C.
Protein change: p.Phe354=; no amino-acid change (phenylalanine 354 retained).
Molecular consequence: synonymous variant.
Genome position (GRCh38, 1-based): chr7:30,615,926, T>C. VCF-style: chr7-30615926-T-C. GRCh37 (hg19) VCF-style: chr7-30655542-T-C.
Other names: p.F354F:TTT>TTC; c.1062T>C (LRG_243t1); c.900T>C, p.Phe300= (NM_001316772.1).
Identifiers: ClinVar variation 137440 (VCV000137440.25), dbSNP rs11553502, ClinGen allele CA291024.

ClinVar aggregate classification (germline): Benign. Review status: criteria provided, multiple submitters, no conflicts (2 of 4 stars). 11 submissions from 9 submitters: Benign (8). 3 of the submissions do not count toward it. Last evaluated 2026-02-02.

Conditions:
Distal spinal muscular atrophy. Also called: Distal hereditary motor neuropathy; Distal hereditary motor neuronopathy. Identifiers: Orphanet 53739, MedGen C0393541, MONDO:0018894.
Charcot-Marie-Tooth disease type 2. Also called: Charcot-Marie-Tooth type 2. Identifiers: Orphanet 64746, MedGen C0270914, MONDO:0018993.
Charcot-Marie-Tooth disease. Also called: Charcot-Marie-Tooth Neuropathy; Charcot-Marie-Tooth Hereditary Neuropathy. Identifiers: Orphanet 166, MedGen C0007959, MONDO:0015626.
Charcot-Marie-Tooth disease type 2D (CMT2D). Also called: CHARCOT-MARIE-TOOTH DISEASE, AXONAL, TYPE 2D; GARS1 Adolescent- or Early Adult-Onset Hereditary Motor/Sensory Neuropathy (GARS1-HMSN); Charcot-Marie-Tooth Neuropathy Type 2D; CHARCOT-MARIE-TOOTH DISEASE, NEURONAL, TYPE 2D. Identifiers: Orphanet 99938, MedGen C1832274, MONDO:0011091, OMIM 601472.
Neuronopathy, distal hereditary motor, type 5A (HMND5). Also called: DHMN VA; Distal Spinal Muscular Atrophy V; Distal Spinal Muscular Atrophy V (dSMA-V); NEURONOPATHY, DISTAL HEREDITARY MOTOR, AUTOSOMAL DOMINANT 5. Identifiers: Orphanet 139536, MedGen CN031873, MONDO:0015353, OMIM 600794.

Allele frequency attached by ClinVar (database versions not stated): 1000 Genomes Project 30x 0.02483; gnomAD exomes 0.02488 and 0.03015; ExAC 0.02514; 1000 Genomes Project 0.02516; gnomAD 0.03908 and 0.04180; TOPMed 0.04333; ESP Exome Variant Server 0.04448.
gnomAD v4.1: 50,249 of 1,614,144 alleles (3.1%); highest among the groups gnomAD compares: African/African-American, 7.1%; 913 homozygotes.

Submissions (11):

Labcorp Genetics (formerly Invitae), Labcorp
Classification: Benign for Charcot-Marie-Tooth disease type 2. Last evaluated: 2026-02-02. Review status: criteria provided, single submitter. Criteria: Invitae Variant Classification Sherloc (09022015). Collection method: clinical testing. Allele origin: germline.

Athena Diagnostics
Classification: Benign. Last evaluated: 2018-06-01. Review status: criteria provided, single submitter. Criteria: Athena Diagnostics Criteria. Collection method: clinical testing. Allele origin: germline.

Illumina Laboratory Services, Illumina
Classification: Benign for Charcot-Marie-Tooth disease type 2D. Last evaluated: 2018-01-12. Review status: criteria provided, single submitter. Criteria: ICSL Variant Classification Criteria 13 December 2019. Collection method: clinical testing. Allele origin: germline.
Comment: This variant was observed in the ICSL laboratory as part of a predisposition screen in an ostensibly healthy population. It had not been previously curated by ICSL or reported in the Human Gene Mutation Database (HGMD: prior to June 1st, 2018), and was therefore a candidate for classification through an automated scoring system. Utilizing variant allele frequency, disease prevalence and penetrance estimates, and inheritance mode, an automated score was calculated to assess if this variant is too frequent to cause the disease. Based on the score and internal cut-off values, a variant classified as benign is not then subjected to further curation. The score for this variant resulted in a classification of benign for this disease.

Illumina Laboratory Services, Illumina
Classification: Benign for Distal hereditary motor neuronopathy type 5. Last evaluated: 2018-01-12. Review status: criteria provided, single submitter. Criteria: ICSL Variant Classification Criteria 13 December 2019. Collection method: clinical testing. Allele origin: germline.
Comment: the same text as in the submission from Illumina Laboratory Services, Illumina above.

Illumina Laboratory Services, Illumina
Classification: Benign for Distal Spinal Muscular Atrophy. Last evaluated: 2018-01-12. Review status: criteria provided, single submitter. Criteria: ICSL Variant Classification Criteria 13 December 2019. Collection method: clinical testing. Allele origin: germline.
Comment: the same text as in the submission from Illumina Laboratory Services, Illumina above.

GeneDx
Classification: Benign. Last evaluated: 2014-04-03. Review status: criteria provided, single submitter. Criteria: GeneDx Variant Classification (06012015). Collection method: clinical testing. Allele origin: germline. Affected: yes.
Comment: This variant is considered likely benign or benign based on one or more of the following criteria: it is a conservative change, it occurs at a poorly conserved position in the protein, it is predicted to be benign by multiple in silico algorithms, and/or has population frequency not consistent with disease.

Molecular Genetics Laboratory, London Health Sciences Centre
Classification: Benign for Charcot-Marie-Tooth disease. Review status: criteria provided, single submitter. Criteria: ACMG Guidelines, 2015. Collection method: clinical testing. Allele origin: germline. Affected: yes.

PreventionGenetics, part of Exact Sciences
Classification: Benign. Review status: criteria provided, single submitter. Criteria: ACMG Guidelines, 2015. Collection method: clinical testing. Allele origin: germline.

Mayo Clinic Laboratories, Mayo Clinic
Classification: Benign. Last evaluated: 2016-02-29. Review status: no assertion criteria provided. Collection method: clinical testing. Allele origin: unknown. Not counted in ClinVar's aggregate classification.

Clinical Genetics, Academic Medical Center
Classification: Benign. Review status: no assertion criteria provided. Collection method: clinical testing. Allele origin: germline. Affected: yes. Study: VKGL Data-share Consensus. Not counted in ClinVar's aggregate classification.

Joint Genome Diagnostic Labs from Nijmegen and Maastricht, Radboudumc and MUMC+
Classification: Benign. Review status: no assertion criteria provided. Collection method: clinical testing. Allele origin: germline. Affected: yes. Study: VKGL Data-share Consensus. Not counted in ClinVar's aggregate classification.